The following is an entry in ClinVar:

NM_198129.4(LAMA3):c.5568dup (p.Leu1857fs)

Gene: LAMA3 (laminin subunit alpha 3; plus strand). Cytogenetic location: 18q11.2.
Variant type: Duplication.
Coding change: c.5568dup on transcript NM_198129.4 (MANE Select); coding-DNA position 5568, one base duplicated (T; older notation c.5568dupT).
Protein change: p.Leu1857fs; shifts the reading frame from leucine 1857.
Molecular consequence: frameshift variant.
Genome position (GRCh38, 1-based): chr18:23,895,013, T duplicated; the last of 2 consecutive T bases (chr18:23,895,012-23,895,013); duplicating either gives the same sequence. VCF-style (leftmost placement, unchanged base first): chr18-23895011-C-CT. GRCh37 (hg19) VCF-style: chr18-21474975-C-CT.
Other names: c.741dup, p.Leu248fs (NM_000227.6, NM_001127718.4); c.5568dup, p.Leu1857fs (NM_001127717.4); short protein forms L1857fs, L248fs.
Identifiers: ClinVar variation 1075696 (VCV001075696.7), dbSNP rs2145063212, ClinGen allele CA2499225079.

ClinVar aggregate classification (germline): Pathogenic (1 of 4 stars; one submission).

Submission:

Labcorp Genetics (formerly Invitae), Labcorp
Classification: Pathogenic. Last evaluated: 2020-09-26. Review status: criteria provided, single submitter. Criteria: Invitae Variant Classification Sherloc (09022015). Collection method: clinical testing. Allele origin: germline.
Comment: For these reasons, this variant has been classified as Pathogenic. Loss-of-function variants in LAMA3 are known to be pathogenic (PMID: 10366601, 11810295, 12915477, 16473856, 17362460, 23869449, 28087116). This variant has not been reported in the literature in individuals with LAMA3-related conditions. This variant is not present in population databases (ExAC no frequency). This sequence change creates a premature translational stop signal (p.Leu248Serfs*41) in the LAMA3 gene. It is expected to result in an absent or disrupted protein product.

Literature cited by the submitters: PubMed 10366601; PubMed 11810295; PubMed 12915477; PubMed 16473856; PubMed 17362460; PubMed 23869449; PubMed 28087116.